The following is an entry in ClinVar:

ClinVar aggregate classification (germline): Benign. Review status: criteria provided, multiple submitters, no conflicts (2 of 4 stars). 3 submissions from 3 submitters: Benign (2). 1 of the submissions does not count toward it. Last evaluated 2018-06-15.

Conditions:
ABCG1-related disorder. Also called: ABCG1-related condition.

Allele frequency attached by ClinVar (database versions not stated): gnomAD exomes 0.00048 and 0.00134; ExAC 0.00160; gnomAD 0.00486 and 0.00528; 1000 Genomes Project 0.00519; ESP Exome Variant Server 0.00569; TOPMed 0.00569; 1000 Genomes Project 30x 0.00578.
gnomAD v4.1: 1,482 of 1,613,868 alleles (0.092%); highest among the groups gnomAD compares: African/African-American, 1.8%; 12 homozygotes.

Submissions (3):

Labcorp Genetics (formerly Invitae), Labcorp
Classification: Benign. Last evaluated: 2018-06-15. Review status: criteria provided, single submitter. Criteria: Invitae Variant Classification Sherloc (09022015). Collection method: clinical testing. Allele origin: germline.

Breakthrough Genomics
Classification: Benign. Review status: criteria provided, single submitter. Criteria: ACMG Guidelines, 2015. Collection method: not provided. Allele origin: germline. Inheritance: Unknown mechanism. Affected: yes.

PreventionGenetics, part of Exact Sciences
Classification: Benign for ABCG1-related condition. Last evaluated: 2019-02-20. Review status: no assertion criteria provided. Collection method: clinical testing. Allele origin: germline. Not counted in ClinVar's aggregate classification.
Comment: This variant is classified as benign based on ACMG/AMP sequence variant interpretation guidelines (Richards et al. 2015 PMID: 25741868, with internal and published modifications).

NM_016818.3(ABCG1):c.447C>G (p.Pro149=)

Gene: ABCG1 (ATP binding cassette subfamily G member 1; plus strand). Cytogenetic location: 21q22.3.
Variant type: single nucleotide variant.
Coding change: c.447C>G on transcript NM_016818.3 (MANE Select); coding-DNA position 447, C replaced by G.
Protein change: p.Pro149=; no amino-acid change (proline 149 retained).
Molecular consequence: synonymous variant.
Genome position (GRCh38, 1-based): chr21:42,273,345, C>G. VCF-style: chr21-42273345-C-G. GRCh37 (hg19) VCF-style: chr21-43693455-C-G.
Other names: c.447C>G, p.Pro149= (NM_004915.4); c.480C>G, p.Pro160= (NM_207174.1); c.453C>G, p.Pro151= (NM_207627.2); c.381C>G, p.Pro127= (NM_207628.1); c.438C>G, p.Pro146= (NM_207629.2); c.447C>G (NM_004915.3).
Identifiers: ClinVar variation 711761 (VCV000711761.6), dbSNP rs61735843, ClinGen allele CA10041029.